The following is an entry in ClinVar:

ClinVar aggregate classification (germline): Uncertain significance (1 of 4 stars; one submission).

Submission:

GeneDx
Classification: Uncertain significance. Last evaluated: 2025-04-11. Review status: criteria provided, single submitter. Criteria: GeneDx Variant Classification Process June 2021. Collection method: clinical testing. Allele origin: germline. Affected: yes.
Comment: Not observed at significant frequency in large population cohorts (gnomAD); Frameshift variant predicted to result in protein truncation or nonsense mediated decay in a gene or region of a gene for which loss of function is not a well-established mechanism of disease; Has not been previously published as pathogenic or benign to our knowledge

NM_001194.4(HCN2):c.619delinsACTTCC (p.Tyr207fs)

Gene: HCN2 (hyperpolarization activated cyclic nucleotide gated potassium and sodium channel 2; plus strand). Cytogenetic location: 19p13.3.
Variant type: Indel.
Coding change: c.619delinsACTTCC on transcript NM_001194.4 (MANE Select); coding-DNA position 619, T replaced by ACTTCC.
Protein change: p.Tyr207fs; shifts the reading frame from tyrosine 207.
Molecular consequence: frameshift variant.
Genome position (GRCh38, 1-based): chr19:590,564, T replaced by ACTTCC. VCF-style: chr19-590564-T-ACTTCC. GRCh37 (hg19) VCF-style: chr19-590564-T-ACTTCC.
Other names: short protein forms Y207fs.
Identifiers: ClinVar variation 4282041 (VCV004282041.1).